The following is an entry in ClinVar:

NM_018051.5(DYNC2I1):c.2464G>A (p.Ala822Thr)

Gene: DYNC2I1 (dynein 2 intermediate chain 1; plus strand). Cytogenetic location: 7q36.3.
Variant type: single nucleotide variant.
Coding change: c.2464G>A on transcript NM_018051.5 (MANE Select); coding-DNA position 2464, G replaced by A.
Protein change: p.Ala822Thr; replaces alanine 822 with threonine.
Molecular consequence: missense variant.
Genome position (GRCh38, 1-based): chr7:158,927,022, G>A. VCF-style: chr7-158927022-G-A. GRCh37 (hg19) VCF-style: chr7-158719713-G-A.
Other names: c.2326G>A, p.Ala776Thr (NM_001350914.2); c.1891G>A, p.Ala631Thr (NM_001350915.2); c.1003G>A, p.Ala335Thr (NM_001350916.2); c.1216G>A, p.Ala406Thr (NM_001350917.2, NM_001350918.2); c.2464G>A (NM_018051.4); short protein forms A335T, A406T, A631T, A776T, A822T.
Identifiers: ClinVar variation 1680716 (VCV001680716.9), dbSNP rs566913816, ClinGen allele CA4595018.

ClinVar aggregate classification (germline): Uncertain significance. Review status: criteria provided, multiple submitters, no conflicts (2 of 4 stars). 2 submissions from 2 submitters: Uncertain significance (2). Last evaluated 2025-09-22.

Conditions:
Inborn genetic diseases. Identifiers: MedGen C0950123, MeSH D030342.
Short-rib thoracic dysplasia 8 with or without polydactyly (SRTD8). Also called: SHORT-RIB THORACIC DYSPLASIA 8 WITH POLYDACTYLY. Identifiers: Orphanet 93271, MedGen C3809691, MONDO:0014214, OMIM 615503.

Allele frequency attached by ClinVar (database versions not stated): gnomAD exomes 0.00003 and 0.00005; TOPMed 0.00003; gnomAD 0.00004 and 0.00005; ExAC 0.00009; 1000 Genomes Project 30x 0.00062; 1000 Genomes Project 0.00080.
gnomAD v4.1: 47 of 1,603,296 alleles (0.0029%); highest among the groups gnomAD compares: South Asian, 0.018%; no homozygotes.

Submissions (2):

Ambry Genetics
Classification: Uncertain significance for Inborn genetic diseases. Last evaluated: 2025-09-22. Review status: criteria provided, single submitter. Criteria: Ambry Variant Classification Scheme 2023. Collection method: clinical testing. Allele origin: germline.

Labcorp Genetics (formerly Invitae), Labcorp
Classification: Uncertain significance for Short-rib thoracic dysplasia 8 with or without polydactyly. Last evaluated: 2021-08-11. Review status: criteria provided, single submitter. Criteria: Invitae Variant Classification Sherloc (09022015). Collection method: clinical testing. Allele origin: germline.
Comment: In summary, the available evidence is currently insufficient to determine the role of this variant in disease. Therefore, it has been classified as a Variant of Uncertain Significance. Algorithms developed to predict the effect of missense changes on protein structure and function are either unavailable or do not agree on the potential impact of this missense change (SIFT: "Deleterious"; PolyPhen-2: "Possibly Damaging"; Align-GVGD: "Class C0"). This variant has not been reported in the literature in individuals affected with WDR60-related conditions. This variant is present in population databases (rs566913816, ExAC 0.05%). This sequence change replaces alanine with threonine at codon 822 of the WDR60 protein (p.Ala822Thr). The alanine residue is moderately conserved and there is a small physicochemical difference between alanine and threonine.